The following is an entry in ClinVar:

ClinVar aggregate classification (germline): Likely benign. Review status: reviewed by expert panel (3 of 4 stars). 13 submissions from 13 submitters: Likely benign (1). 12 of the submissions do not count toward it. Last evaluated 2017-06-29.

Conditions:
BRCA2-related cancer predisposition. Identifiers: MedGen CN377758, MONDO:0700269.
Breast and/or ovarian cancer. Identifiers: MedGen CN221562.
Hereditary cancer-predisposing syndrome. Also called: Tumor predisposition; Neoplastic Syndromes, Hereditary; Hereditary Cancer Syndrome; Hereditary neoplastic syndrome. Identifiers: Orphanet 140162, MedGen C0027672, MeSH D009386, MONDO:0015356.
Hereditary breast ovarian cancer syndrome. Also called: Hereditary breast and ovarian cancer; Hereditary breast and ovarian cancer syndrome (HBOC); Breast and ovarian cancer; Hereditary breast and/or ovarian cancer syndrome; BRCA1- and BRCA2-Associated Hereditary Breast and Ovarian Cancer; Hereditary breast and ovarian cancer syndrome. Identifiers: Orphanet 145, MedGen C0677776, MeSH D061325, MONDO:0003582. Disease mechanism: loss of function.
Breast-ovarian cancer, familial, susceptibility to, 2 (BROVCA2). Also called: BRCA2 Hereditary Breast and Ovarian Cancer. Identifiers: Orphanet 145, MedGen C2675520, MONDO:0012933, OMIM 612555. Disease mechanism: loss of function.

Allele frequency attached by ClinVar (database versions not stated): TOPMed 0.00002; ExAC 0.00001; gnomAD 0.00001; gnomAD exomes 0.00001.
gnomAD v4.1: 24 of 1,603,316 alleles (0.0015%); highest among the groups gnomAD compares: Middle Eastern, 0.017%; no homozygotes.

Submissions (13):

Evidence-based Network for the Interpretation of Germline Mutant Alleles (ENIGMA)
Classification: Likely benign for Breast-ovarian cancer, familial, susceptibility to, 2. Last evaluated: 2017-06-29. Review status: reviewed by expert panel. Criteria: ENIGMA BRCA1/2 Classification Criteria (2017-06-29). Collection method: curation. Allele origin: germline.
Comment: Synonymous substitution variant, with low bioinformatic likelihood to result in a splicing aberration (Splicing prior probability 0.02).

Labcorp Genetics (formerly Invitae), Labcorp
Classification: Likely benign for Hereditary breast ovarian cancer syndrome. Last evaluated: 2026-02-03. Review status: criteria provided, single submitter. Criteria: Invitae Variant Classification Sherloc (09022015). Collection method: clinical testing. Allele origin: germline. Not counted in ClinVar's aggregate classification.

Blueprint Genetics
Classification: Likely benign. Last evaluated: 2024-11-04. Review status: criteria provided, single submitter. Criteria: ACMG Guidelines, 2015. Collection method: clinical testing. Allele origin: germline. Not counted in ClinVar's aggregate classification.

Department of Pathology and Laboratory Medicine, Sinai Health System
Classification: Likely benign for BRCA2-related cancer predisposition. Last evaluated: 2024-08-13. Review status: criteria provided, single submitter. Criteria: ACMG Guidelines, 2015. Collection method: clinical testing. Allele origin: germline. Not counted in ClinVar's aggregate classification.

All of Us Research Program, National Institutes of Health
Classification: Likely benign for Breast-ovarian cancer, familial, susceptibility to, 2. Last evaluated: 2023-10-02. Review status: criteria provided, single submitter. Criteria: ACMG Guidelines, 2015. Collection method: clinical testing. Allele origin: germline. Inheritance: Autosomal dominant inheritance. Observed: 4 variant alleles, 4 heterozygotes. Not counted in ClinVar's aggregate classification.
Comment: This study involves interpretation of variants in research participants for the purpose of population health screening. Participant phenotype was not available at the time of variant classification. Additional details can be found in publication PMID: 35346344, PMCID: PMC8962531

CeGaT Center for Human Genetics Tuebingen
Classification: Likely benign. Last evaluated: 2023-07-01. Review status: criteria provided, single submitter. Criteria: CeGaT Center For Human Genetics Tuebingen Variant Classification Criteria Version 2. Collection method: clinical testing. Allele origin: germline. Affected: yes. Observed: 1 variant allele. Not counted in ClinVar's aggregate classification.
Comment: BRCA2: BP4, BP7

Sema4
Classification: Likely benign for Hereditary cancer-predisposing syndrome. Last evaluated: 2021-05-27. Review status: criteria provided, single submitter. Criteria: Sema4 Curation Guidelines. Collection method: curation. Allele origin: germline. Not counted in ClinVar's aggregate classification.

CHEO Genetics Diagnostic Laboratory, Children's Hospital of Eastern Ontario
Classification: Likely benign for Breast and/or ovarian cancer. Last evaluated: 2020-11-13. Review status: criteria provided, single submitter. Criteria: ACMG Guidelines, 2015. Collection method: clinical testing. Allele origin: germline. Not counted in ClinVar's aggregate classification.

Women's Health and Genetics/Laboratory Corporation of America, LabCorp
Classification: Likely benign. Last evaluated: 2019-02-25. Review status: criteria provided, single submitter. Criteria: LabCorp Variant Classification Summary - May 2015. Collection method: clinical testing. Allele origin: germline. Not counted in ClinVar's aggregate classification.
Comment: Variant summary: BRCA2 c.4179G>A alters a non-conserved nucleotide resulting in a synonymous change. 5/5 computational tools predict no significant impact on normal splicing. However, these predictions have yet to be confirmed by functional studies. The variant allele was found at a frequency of 8.5e-06 in 236524 control chromosomes. The available data on variant occurrences in the general population are insufficient to allow any conclusion about variant significance. c.4179G>A has been reported in the literature but these report(s) do not provide unequivocal conclusions about association of the variant with Hereditary Breast and Ovarian Cancer. Six clinical diagnostic laboratories have submitted clinical-significance assessments for this variant to ClinVar after 2014 without evidence for independent evaluation. All laboratories classified the variant as benign/likely benign. Our laboratory classified this variant as a "VUS-possibly normal" in a series of re-evaluations spanning two years (2016-2018), however, no new evidence supporting pathogenicity have been reported and at-least two other testing laboratories have classified this variant as likely benign since our original classification. Therefore, the overall evidence seems to be shifting from uncertain significance to likely benign. Based on the evidence outlined above, the variant was classified as likely benign.

GeneDx
Classification: Benign. Last evaluated: 2015-09-28. Review status: criteria provided, single submitter. Criteria: GeneDx Variant Classification (06012015). Collection method: clinical testing. Allele origin: germline. Affected: yes. Not counted in ClinVar's aggregate classification.
Comment: This variant is considered likely benign or benign based on one or more of the following criteria: it is a conservative change, it occurs at a poorly conserved position in the protein, it is predicted to be benign by multiple in silico algorithms, and/or has population frequency not consistent with disease.

Color Diagnostics, LLC DBA Color Health
Classification: Likely benign for Hereditary cancer-predisposing syndrome. Last evaluated: 2015-04-08. Review status: criteria provided, single submitter. Criteria: ACMG Guidelines, 2015. Collection method: clinical testing. Allele origin: germline. Not counted in ClinVar's aggregate classification.

Ambry Genetics
Classification: Likely benign for Hereditary cancer-predisposing syndrome. Last evaluated: 2015-03-23. Review status: criteria provided, single submitter. Criteria: Ambry Variant Classification Scheme 2023. Collection method: clinical testing. Allele origin: germline. Not counted in ClinVar's aggregate classification.

Counsyl
Classification: Likely benign for Breast-ovarian cancer, familial, susceptibility to, 2. Last evaluated: 2015-12-28. Review status: no assertion criteria provided. Collection method: clinical testing. Allele origin: unknown. Not counted in ClinVar's aggregate classification.

NM_000059.4(BRCA2):c.4179G>A (p.Ala1393=)

Gene: BRCA2 (BRCA2 DNA repair associated; plus strand). Cytogenetic location: 13q13.1.
Variant type: single nucleotide variant.
Coding change: c.4179G>A on transcript NM_000059.4 (MANE Select); coding-DNA position 4179, G replaced by A.
Protein change: p.Ala1393=; no amino-acid change (alanine 1393 retained).
Molecular consequence: synonymous variant.
Genome position (GRCh38, 1-based): chr13:32,338,534, G>A. VCF-style: chr13-32338534-G-A. GRCh37 (hg19) VCF-style: chr13-32912671-G-A.
Identifiers: ClinVar variation 184549 (VCV000184549.53), dbSNP rs770531115, ClinGen allele CA019680.
Genomic context (GRCh38, chr13:32,338,534, plus strand): 5'-GAAGGAGGGAAACACTCAGATTAAAGAAGATTTGTCAGATTTAACTTTTTTGGAAGTTGC[G>A]AAAGCTCAAGAAGCATGTCATGGTAATACTTCAAATAAAGAACAGTTAACTGCTACTAAA-3'
Protein context (NP_000050.3, residues 1383-1403): DLSDLTFLEV[Ala1393=]KAQEACHGNT